The following is an entry in ClinVar:

NM_002972.4(SBF1):c.1804G>A (p.Ala602Thr)

Gene: SBF1 (SET binding factor 1; minus strand). Cytogenetic location: 22q13.33.
Variant type: single nucleotide variant.
Coding change: c.1804G>A on transcript NM_002972.4 (MANE Select); coding-DNA position 1804, G replaced by A.
Protein change: p.Ala602Thr; replaces alanine 602 with threonine.
Molecular consequence: missense variant.
Genome position (GRCh38, 1-based): chr22:50,463,378, C>T on the plus strand (G>A on the coding strand, the complement: SBF1 is on the minus strand). VCF-style: chr22-50463378-C-T. GRCh37 (hg19) VCF-style: chr22-50901807-C-T.
Other names: c.1804G>A (NM_002972.2); c.1807G>A, p.Ala603Thr (NM_001365819.1); short protein forms A602T, A603T.
Identifiers: ClinVar variation 1360212 (VCV001360212.9), dbSNP rs966338815, ClinGen allele CA325533593.
Genomic context (GRCh38, chr22:50,463,378, plus strand): 5'-CAAACTGCTGGTGGTCCAGGACCGCACGGTTCTGCTGCACATGCAGGTGCAGCTCCTGGG[C>T]GAGGCAGCGGCGGGCAGCTCGCCCCTTCAGGGCCCTCAACACGGCTGGGAGCAGCTGGGG-3'
Protein context (NP_002963.2, residues 592-612): LKGRAARRCL[Ala602Thr]QELHLHVQQN

ClinVar aggregate classification (germline): Conflicting classifications of pathogenicity. Review status: criteria provided, conflicting classifications (1 of 4 stars). 2 submissions from 2 submitters: Uncertain significance (1); Likely benign (1). Last evaluated 2026-01-19.

gnomAD v4.1: 2 of 1,603,912 alleles (0.00012%); highest among the groups gnomAD compares: Non-Finnish European, 0.00017%; no homozygotes.

Submissions (2):

Labcorp Genetics (formerly Invitae), Labcorp
Classification: Uncertain significance. Last evaluated: 2026-01-19. Review status: criteria provided, single submitter. Criteria: Invitae Variant Classification Sherloc (09022015). Collection method: clinical testing. Allele origin: germline.
Comment: This sequence change replaces alanine, which is neutral and non-polar, with threonine, which is neutral and polar, at codon 602 of the SBF1 protein (p.Ala602Thr). This variant is not present in population databases (gnomAD no frequency). This variant has not been reported in the literature in individuals affected with SBF1-related conditions. ClinVar contains an entry for this variant (Variation ID: 1360212). Invitae Evidence Modeling of protein sequence and biophysical properties (such as structural, functional, and spatial information, amino acid conservation, physicochemical variation, residue mobility, and thermodynamic stability) indicates that this missense variant is not expected to disrupt SBF1 protein function with a negative predictive value of 80%. In summary, the available evidence is currently insufficient to determine the role of this variant in disease. Therefore, it has been classified as a Variant of Uncertain Significance.

Ambry Genetics
Classification: Likely benign. Last evaluated: 2023-08-20. Review status: criteria provided, single submitter. Criteria: Ambry Variant Classification Scheme 2023. Collection method: clinical testing. Allele origin: germline.